The following is an entry in ClinVar:

ClinVar aggregate classification (germline): Conflicting classifications of pathogenicity. Review status: criteria provided, conflicting classifications (1 of 4 stars). 4 submissions from 4 submitters: Uncertain significance (1); Likely benign (3). Last evaluated 2026-03-01.

Conditions:
Inborn genetic diseases. Identifiers: MedGen C0950123, MeSH D030342.
Ichthyosis vulgaris. Also called: ICHTHYOSIS SIMPLEX; Dominant ichthyosis vulgaris. Identifiers: MedGen C0079584, MONDO:0024304, OMIM 146700.

gnomAD v4.1: 1,223 of 1,612,220 alleles (0.076%); highest among the groups gnomAD compares: African/African-American, 0.5%; 2 homozygotes.

Submissions (4):

CeGaT Center for Human Genetics Tuebingen
Classification: Likely benign. Last evaluated: 2026-03-01. Review status: criteria provided, single submitter. Criteria: CeGaT Center For Human Genetics Tuebingen Variant Classification Criteria Version 2. Collection method: clinical testing. Allele origin: germline. Affected: yes. Observed: 1 variant allele.
Comment: FLG: BP4

Ambry Genetics
Classification: Likely benign for Inborn genetic diseases. Last evaluated: 2025-08-12. Review status: criteria provided, single submitter. Criteria: Ambry Variant Classification Scheme 2023. Collection method: clinical testing. Allele origin: germline.

Blueprint Genetics
Classification: Likely benign. Last evaluated: 2024-11-19. Review status: criteria provided, single submitter. Criteria: ACMG Guidelines, 2015. Collection method: clinical testing. Allele origin: germline.

Department of Pathology and Laboratory Medicine, Sinai Health System
Classification: Uncertain significance for Ichthyosis vulgaris. Last evaluated: 2021-12-10. Review status: criteria provided, single submitter. Criteria: ACMG Guidelines, 2015. Collection method: research. Allele origin: germline.

NM_002016.2(FLG):c.2447T>G (p.Val816Gly)

Genes: CCDST (cervical cancer associated DHX9 suppressive transcript; plus strand), FLG (filaggrin; minus strand). Cytogenetic location: 1q21.3.
Variant type: single nucleotide variant.
Coding change: c.2447T>G on transcript NM_002016.2 (MANE Select); coding-DNA position 2447, T replaced by G.
Protein change: p.Val816Gly; replaces valine 816 with glycine.
Molecular consequence: missense variant.
Genome position (GRCh38, 1-based): chr1:152,312,439, A>C on the plus strand (T>G on the coding strand, the complement: FLG is on the minus strand). VCF-style: chr1-152312439-A-C. GRCh37 (hg19) VCF-style: chr1-152284915-A-C.
Other names: short protein forms V816G.
Identifiers: ClinVar variation 3892198 (VCV003892198.7).
Genomic context (GRCh38, chr1:152,312,439, plus strand): 5'-TCTTGGGATGCTGAGTGCCTGGAGTTGTCTCGTGCCTGCTCATGGTGGGATCCTTGTCTT[A>C]CTCCAGTGCTGGGCCCTGTCCATCCATGGGAGGACTCAGACTGTTTATGAGTGCTCACCT-3'
Protein context (NP_002007.1, residues 806-826): SHGWTGPSTG[Val816Gly]RQGSHHEQAR